The following is an entry in ClinVar:

NM_004035.7(ACOX1):c.659-4G>A

Gene: ACOX1 (acyl-CoA oxidase 1; minus strand). Cytogenetic location: 17q25.1.
Variant type: single nucleotide variant.
Coding change: c.659-4G>A on transcript NM_004035.7 (MANE Select); 4 bases into the intron before coding-DNA position 659, G replaced by A.
Molecular consequence: intron variant.
Genome position (GRCh38, 1-based): chr17:75,955,685, C>T on the plus strand (G>A on the coding strand, the complement: ACOX1 is on the minus strand). VCF-style: chr17-75955685-C-T. GRCh37 (hg19) VCF-style: chr17-73951766-C-T.
Other names: c.659-4G>A (NM_007292.6); c.545-4G>A (NM_001185039.2).
Identifiers: ClinVar variation 325387 (VCV000325387.16), dbSNP rs746563980, ClinGen allele CA8776947.

ClinVar aggregate classification (germline): Conflicting classifications of pathogenicity. Review status: criteria provided, conflicting classifications (1 of 4 stars). 4 submissions from 4 submitters: Uncertain significance (2); Likely benign (1). 1 of the submissions does not count toward it. Last evaluated 2026-01-20.

Conditions:
Inborn genetic diseases. Identifiers: MedGen C0950123, MeSH D030342.
Acyl-CoA oxidase deficiency. Also called: STRAIGHT-CHAIN ACYL-CoA OXIDASE DEFICIENCY; Pseudoneonatal adrenoleukodystrophy; Peroxisomal acyl-CoA oxidase deficiency. Identifiers: Orphanet 2971, MedGen C1849678, MONDO:0009919, OMIM 264470. Disease mechanism: loss of function.

Allele frequency attached by ClinVar (database versions not stated): gnomAD 0.00001; TOPMed 0.00001.
gnomAD v4.1: 16 of 1,613,170 alleles (0.00099%); highest among the groups gnomAD compares: South Asian, 0.0044%; no homozygotes.

Submissions (4):

Labcorp Genetics (formerly Invitae), Labcorp
Classification: Likely benign for Acyl-CoA oxidase deficiency. Last evaluated: 2026-01-20. Review status: criteria provided, single submitter. Criteria: Invitae Variant Classification Sherloc (09022015). Collection method: clinical testing. Allele origin: germline.

Ambry Genetics
Classification: Uncertain significance for Inborn genetic diseases. Last evaluated: 2021-08-14. Review status: criteria provided, single submitter. Criteria: Ambry Variant Classification Scheme 2023. Collection method: clinical testing. Allele origin: germline.
Comment: The c.659-4G>A intronic alteration consists of a G to A substitution 4 nucleotides before coding exon 6 in the ACOX1 gene. Based on insufficient or conflicting evidence, the clinical significance of this alteration remains unclear.

Illumina Laboratory Services, Illumina
Classification: Uncertain significance for Acyl-CoA oxidase deficiency. Last evaluated: 2018-01-13. Review status: criteria provided, single submitter. Criteria: ICSL Variant Classification Criteria 13 December 2019. Collection method: clinical testing. Allele origin: germline.

Natera, Inc.
Classification: Uncertain significance for Peroxisomal acyl-CoA oxidase deficiency. Last evaluated: 2019-10-28. Review status: no assertion criteria provided. Collection method: clinical testing. Allele origin: germline. Not counted in ClinVar's aggregate classification.